The following is an entry in ClinVar:

NM_000307.5(POU3F4):c.191G>A (p.Gly64Glu)

Gene: POU3F4 (POU class 3 homeobox 4; plus strand). Cytogenetic location: Xq21.1.
Variant type: single nucleotide variant.
Coding change: c.191G>A on transcript NM_000307.5 (MANE Select); coding-DNA position 191, G replaced by A.
Protein change: p.Gly64Glu; replaces glycine 64 with glutamic acid.
Molecular consequence: missense variant.
Genome position (GRCh38, 1-based): chrX:83,508,515, G>A. VCF-style: chrX-83508515-G-A. GRCh37 (hg19) VCF-style: chrX-82763523-G-A.
Other names: short protein forms G64E.
Identifiers: ClinVar variation 3250397 (VCV003250397.1), dbSNP rs753206337.
Genomic context (GRCh38, chrX:83,508,515, plus strand): 5'-AGGGAGTTCCCAGCAATGGGCATCCCCTCGGGCATCACTGGGTGACCAGTCTGAGCGACG[G>A]GGGCCCATGGTCCTCCACACTGGCCACCAGCCCCCTGGACCAGCAGGACGTGAAGCCCGG-3'
Protein context (NP_000298.3, residues 54-74): GHHWVTSLSD[Gly64Glu]GPWSSTLATS

ClinVar aggregate classification (germline): Likely pathogenic (1 of 4 stars; one submission).

Conditions:
X-linked mixed hearing loss with perilymphatic gusher. Also called: Gusher syndrome; NANCE DEAFNESS; PERILYMPHATIC GUSHER-DEAFNESS SYNDROME; SENSORINEURAL DEAFNESS, PROFOUND, WITH OR WITHOUT A CONDUCTIVE COMPONENT, ASSOCIATED WITH A UNIQUE DEVELOPMENTAL ABNORMALITY OF THE EAR; Deafness, X-linked 2. Identifiers: Orphanet 383, MedGen C1844678, MONDO:0010576, OMIM 304400.

Allele frequency attached by ClinVar (database versions not stated): ExAC 0.00002.

Submission:

Laboratory of Prof. Karen Avraham, Tel Aviv University
Classification: Likely pathogenic for X-linked mixed hearing loss with perilymphatic gusher. Last evaluated: 2024-06-05. Review status: criteria provided, single submitter. Criteria: ACMG Guidelines, 2015. Collection method: research. Allele origin: germline. Affected: yes. Observed: 1 variant allele.
Comment: A very rare variant predicted to be deleterious by most prediction programs

DFNX2; mild HL